The following is an entry in ClinVar:

ClinVar aggregate classification (germline): Uncertain significance (1 of 4 stars; one submission).

gnomAD v4.1: 1 of 1,612,682 alleles (0.000062%); highest among the groups gnomAD compares: Non-Finnish European, 0.000085%; no homozygotes.

Submission:

Labcorp Genetics (formerly Invitae), Labcorp
Classification: Uncertain significance. Last evaluated: 2025-12-29. Review status: criteria provided, single submitter. Criteria: Invitae Variant Classification Sherloc (09022015). Collection method: clinical testing. Allele origin: germline.
Comment: This sequence change replaces lysine, which is basic and polar, with methionine, which is neutral and non-polar, at codon 484 of the THBD protein (p.Lys484Met). This variant is not present in population databases (gnomAD no frequency). This variant has not been reported in the literature in individuals affected with THBD-related conditions. Invitae Evidence Modeling of protein sequence and biophysical properties (such as structural, functional, and spatial information, amino acid conservation, physicochemical variation, residue mobility, and thermodynamic stability) indicates that this missense variant is not expected to disrupt THBD protein function with a negative predictive value of 80%. In summary, the available evidence is currently insufficient to determine the role of this variant in disease. Therefore, it has been classified as a Variant of Uncertain Significance.

NM_000361.3(THBD):c.1451A>T (p.Lys484Met)

Gene: THBD (thrombomodulin; minus strand). Cytogenetic location: 20p11.21.
Variant type: single nucleotide variant.
Coding change: c.1451A>T on transcript NM_000361.3 (MANE Select); coding-DNA position 1451, A replaced by T.
Protein change: p.Lys484Met; replaces lysine 484 with methionine.
Molecular consequence: missense variant.
Genome position (GRCh38, 1-based): chr20:23,048,054, T>A on the plus strand (A>T on the coding strand, the complement: THBD is on the minus strand). VCF-style: chr20-23048054-T-A. GRCh37 (hg19) VCF-style: chr20-23028691-T-A.
Other names: short protein forms K484M.
Identifiers: ClinVar variation 4761534 (VCV004761534.1).